The following is an entry in ClinVar:

NM_019074.4(DLL4):c.1169G>A (p.Cys390Tyr)

Gene: DLL4 (delta like canonical Notch ligand 4; plus strand). Cytogenetic location: 15q15.1.
Variant type: single nucleotide variant.
Coding change: c.1169G>A on transcript NM_019074.4 (MANE Select); coding-DNA position 1169, G replaced by A.
Protein change: p.Cys390Tyr; replaces cysteine 390 with tyrosine.
Molecular consequence: missense variant.
Genome position (GRCh38, 1-based): chr15:40,935,046, G>A. VCF-style: chr15-40935046-G-A. GRCh37 (hg19) VCF-style: chr15-41227244-G-A.
Other names: short protein forms C390Y.
Identifiers: ClinVar variation 204371 (VCV000204371.4), dbSNP rs796065346, ClinGen allele CA248809.

ClinVar aggregate classification (germline): Pathogenic/Likely pathogenic. Review status: criteria provided, multiple submitters, no conflicts (2 of 4 stars). 3 submissions from 3 submitters: Pathogenic (1); Likely pathogenic (1). 1 of the submissions does not count toward it. Last evaluated 2025-02-25.

Conditions:
Adams-Oliver syndrome (AOS). Identifiers: Orphanet 974, MedGen C0265268, MONDO:0007034.
Adams-Oliver syndrome 6 (AOS6). Identifiers: Orphanet 974, MedGen C4225271, MONDO:0014703, OMIM 616589.

Submissions (3):

Clinical Genetics Laboratory, Region Ostergotland
Classification: Likely pathogenic for Adams-Oliver syndrome 6. Last evaluated: 2025-02-25. Review status: criteria provided, single submitter. Criteria: ACMG Guidelines, 2015. Collection method: clinical testing. Allele origin: germline. Affected: yes.
Comment: The NM_019074.4:c.1169G>A variant in DLL4 is not found in population database (no frequency in gnomAD v4.1.0). REVEL score for this missense variant is 0.918. A different missense change in the same amino acid has been found before in a proband with the same phenotype (PMID: 26299364). The following ACMG/AMP criteria were applied in classifying this variant: PM2, PP3_moderate, PM5.

Centre of Medical Genetics, University of Antwerp
Classification: Pathogenic for Adams-Oliver Syndrome. Review status: criteria provided, single submitter. Criteria: Submitter's publication. Collection method: research. Allele origin: unknown. Affected: yes.

OMIM
Classification: Pathogenic for ADAMS-OLIVER SYNDROME 6. Last evaluated: 2015-08-19. Review status: no assertion criteria provided. Collection method: literature only. Allele origin: germline. Not counted in ClinVar's aggregate classification.

Literature cited by the submitters: PubMed 26299364 (cited by Clinical Genetics Laboratory, Region Ostergotland and OMIM).